The following is an entry in ClinVar:

ClinVar aggregate classification (germline): Pathogenic (3 of 4 stars; one submission).

Conditions:
Breast-ovarian cancer, familial, susceptibility to, 2 (BROVCA2). Also called: BRCA2 Hereditary Breast and Ovarian Cancer. Identifiers: Orphanet 145, MedGen C2675520, MONDO:0012933, OMIM 612555. Disease mechanism: loss of function.

Submission:

Evidence-based Network for the Interpretation of Germline Mutant Alleles (ENIGMA)
Classification: Pathogenic for Breast-ovarian cancer, familial, susceptibility to, 2. Last evaluated: 2016-09-08. Review status: reviewed by expert panel. Criteria: ENIGMA BRCA1/2 Classification Criteria (2015). Collection method: curation. Allele origin: germline.
Comment: Variant allele predicted to encode a truncated non-functional protein.

NM_000059.4(BRCA2):c.8378delinsAA (p.Gly2793fs)

Gene: BRCA2 (BRCA2 DNA repair associated; plus strand). Cytogenetic location: 13q13.1.
Variant type: Indel.
Coding change: c.8378delinsAA on transcript NM_000059.4 (MANE Select); coding-DNA position 8378, G replaced by AA.
Protein change: p.Gly2793fs; shifts the reading frame from glycine 2793.
Molecular consequence: frameshift variant.
Genome position (GRCh38, 1-based): chr13:32,370,448, G replaced by AA. VCF-style: chr13-32370448-G-AA. GRCh37 (hg19) VCF-style: chr13-32944585-G-AA.
Other names: c.8378delGinsAA (NM_000059.3); short protein forms G2793fs.
Identifiers: ClinVar variation 254622 (VCV000254622.2), dbSNP rs886038182, ClinGen allele CA10586589.
Genomic context (GRCh38, chr13:32,370,448, plus strand): 5'-ATTAATTTGTCCAGATTTCTGCTAACAGTACTCGGCCTGCTCGCTGGTATACCAAACTTG[G>AA]ATTCTTTCCTGACCCTAGACCTTTTCCTCTGCCCTTATCATCGCTTTTCAGTGATGGAGG-3'